The following is an entry in ClinVar:

NM_014855.3(AP5Z1):c.1573A>C (p.Lys525Gln)

Gene: AP5Z1 (adaptor related protein complex 5 subunit zeta 1; plus strand). Cytogenetic location: 7p22.1.
Variant type: single nucleotide variant.
Coding change: c.1573A>C on transcript NM_014855.3 (MANE Select); coding-DNA position 1573, A replaced by C.
Protein change: p.Lys525Gln; replaces lysine 525 with glutamine.
Molecular consequence: missense variant. On other transcripts: non-coding transcript variant (1).
Genome position (GRCh38, 1-based): chr7:4,788,272, A>C. VCF-style: chr7-4788272-A-C. GRCh37 (hg19) VCF-style: chr7-4827903-A-C.
Other names: c.1573A>C, p.Lys525Gln (LRG_1247t1); c.1105A>C, p.Lys369Gln (NM_001364858.1); short protein forms K525Q, K369Q.
Identifiers: ClinVar variation 412233 (VCV000412233.30), dbSNP rs186003800, ClinGen allele CA4137875.

ClinVar aggregate classification (germline): Conflicting classifications of pathogenicity. Review status: criteria provided, conflicting classifications (1 of 4 stars). 11 submissions from 11 submitters: Uncertain significance (7); Likely benign (3). 1 of the submissions does not count toward it. Last evaluated 2026-02-01.

Conditions:
Hereditary spastic paraplegia. Also called: Familial spastic paraparesis. Identifiers: Orphanet 685, MedGen C0037773, MONDO:0019064. Disease mechanism: loss of function.
Hereditary spastic paraplegia 48. Also called: Spastic paraplegia 48; SPASTIC PARAPLEGIA 48, AUTOSOMAL RECESSIVE. Identifiers: Orphanet 306511, MedGen C3150901, MONDO:0013342, OMIM 613647.
Retinal dystrophy. Also called: Inherited retinal dystrophy. Identifiers: Orphanet 71862, MedGen C0854723, MeSH D058499, MONDO:0019118, HP:0000556.

Allele frequency attached by ClinVar (database versions not stated): 1000 Genomes Project 0.00040; 1000 Genomes Project 30x 0.00078; TOPMed 0.00122.
gnomAD v4.1: 974 of 1,592,118 alleles (0.061%); highest among the groups gnomAD compares: Middle Eastern, 0.5%; 5 homozygotes.

Submissions (12):

Labcorp Genetics (formerly Invitae), Labcorp
Classification: Uncertain significance for Hereditary spastic paraplegia 48. Last evaluated: 2026-02-01. Review status: criteria provided, single submitter. Criteria: Invitae Variant Classification Sherloc (09022015). Collection method: clinical testing. Allele origin: germline.
Comment: This sequence change replaces lysine, which is basic and polar, with glutamine, which is neutral and polar, at codon 525 of the AP5Z1 protein (p.Lys525Gln). This variant is present in population databases (rs186003800, gnomAD 0.09%), and has an allele count higher than expected for a pathogenic variant. This variant has not been reported in the literature in individuals affected with AP5Z1-related conditions. ClinVar contains an entry for this variant (Variation ID: 412233). Invitae Evidence Modeling of protein sequence and biophysical properties (such as structural, functional, and spatial information, amino acid conservation, physicochemical variation, residue mobility, and thermodynamic stability) indicates that this missense variant is not expected to disrupt AP5Z1 protein function with a negative predictive value of 80%. In summary, the available evidence is currently insufficient to determine the role of this variant in disease. Therefore, it has been classified as a Variant of Uncertain Significance.

Mayo Clinic Laboratories, Mayo Clinic
Classification: Likely benign. Last evaluated: 2025-10-22. Review status: criteria provided, single submitter. Criteria: ACMG Guidelines, 2015. Collection method: clinical testing. Allele origin: germline. Observed: 3 variant alleles.
Comment: BS1, BP4_strong

Athena Diagnostics
Classification: Likely benign. Last evaluated: 2024-11-01. Review status: criteria provided, single submitter. Criteria: Athena Diagnostics Criteria. Collection method: clinical testing. Allele origin: unknown.

Women's Health and Genetics/Laboratory Corporation of America, LabCorp
Classification: Uncertain significance. Last evaluated: 2024-03-06. Review status: criteria provided, single submitter. Criteria: LabCorp Variant Classification Summary - May 2015. Collection method: clinical testing. Allele origin: germline.
Comment: Variant summary: KIAA0415 c.1573A>C (p.Lys525Gln) results in a conservative amino acid change in the encoded protein sequence. Five of five in-silico tools predict a benign effect of the variant on protein function. The variant allele was found at a frequency of 0.00064 in 243546 control chromosomes. c.1573A>C has been reported in the literature in individuals affected with Hereditary Spastic Paraplegia without strong evidence of causality (e.g. Slabicki_2010, Mereaux_2022). These reports do not provide unequivocal conclusions about association of the variant with Hereditary Spastic Paraplegia 48. To our knowledge, no experimental evidence demonstrating an impact on protein function has been reported. The following publications have been ascertained in the context of this evaluation (PMID: 20613862, 34983064). ClinVar contains an entry for this variant (Variation ID: 412233). Based on the evidence outlined above, the variant was classified as uncertain significance.

Paris Brain Institute, Inserm - ICM
Classification: Likely benign for Hereditary spastic paraplegia 48. Last evaluated: 2023-12-13. Review status: criteria provided, single submitter. Criteria: ACMG Guidelines, 2015. Collection method: clinical testing. Allele origin: unknown. Inheritance: Autosomal recessive inheritance. Affected: yes. Observed: 2 variant alleles.

Baylor Genetics
Classification: Uncertain significance for Hereditary spastic paraplegia 48. Last evaluated: 2020-06-03. Review status: criteria provided, single submitter. Criteria: ACMG Guidelines, 2015. Collection method: clinical testing. Allele origin: unknown. Affected: yes.
Comment: This variant was determined to be of uncertain significance according to ACMG Guidelines, 2015 [PMID:25741868].

Victorian Clinical Genetics Services, Murdoch Childrens Research Institute
Classification: Uncertain significance for Hereditary spastic paraplegia 48. Last evaluated: 2019-08-28. Review status: criteria provided, single submitter. Criteria: ACMG Guidelines, 2015. Collection method: clinical testing. Allele origin: germline. Inheritance: Autosomal recessive inheritance.
Comment: A heterozygous missense variant, NM_014855.3(AP5Z1):c.1573A>C, has been identified in exon 0 of the AP5Z1 gene. The variant is predicted to result in a minor amino acid change from lysine to glutamine at position 525 of the protein (NP_055670.1(AP5Z1):p.(Lys525Gln)). The lysine residue at this position has low conservation (100 vertebrates, UCSC), but is not located within a well established functional domain. In silico predictions for this variant are consistently benign (Polyphen, SIFT, CADD, Mutation Taster). The variant is present in the gnomAD database at a frequency of 0.06% (156 hetereozygotes, 0 homozygotes). The variant has been previously described as a Variant of Uncertain Significance (ClinVar). Based on the information available at the time of curation, this variant has been classified as VARIANT of UNCERTAIN SIGNIFICANCE (VUS) with LOW CLINICAL RELEVANCE.

Fulgent Genetics
Classification: Uncertain significance for Hereditary spastic paraplegia 48. Last evaluated: 2018-10-31. Review status: criteria provided, single submitter. Criteria: ACMG Guidelines, 2015. Collection method: clinical testing. Allele origin: unknown.

Illumina Laboratory Services, Illumina
Classification: Uncertain significance for Hereditary spastic paraplegia 48. Last evaluated: 2017-04-27. Review status: criteria provided, single submitter. Criteria: ICSL Variant Classification Criteria 13 December 2019. Collection method: clinical testing. Allele origin: germline.

Genome Diagnostics Laboratory, The Hospital for Sick Children
Classification: Uncertain significance for Hereditary spastic paraplegia. Last evaluated: 2016-12-12. Review status: criteria provided, single submitter. Criteria: ACMG Guidelines, 2015. Collection method: clinical testing. Allele origin: germline. Affected: yes.

Institute of Human Genetics, Univ. Regensburg, Univ. Regensburg
Classification: Uncertain significance for Retinal dystrophy. Last evaluated: 2022-01-01. Review status: no assertion criteria provided. Criteria: ACMG Guidelines, 2015. Collection method: clinical testing. Allele origin: germline. Affected: yes. Not counted in ClinVar's aggregate classification.

Dr. Peter K. Rogan Lab, Western University
No classification provided (evidence only). Condition: Chronic lymphocytic leukemia/small lymphocytic lymphoma. Review status: no classification provided. Collection method: in vitro. Allele origin: not applicable. Functional consequence: skipped exon, retained intron. Not counted in ClinVar's aggregate classification.

Literature cited by the submitters: PubMed 20613862 (cited by 3 submitters); PubMed 25333062 (cited by Mayo Clinic Laboratories, Mayo Clinic and Athena Diagnostics); PubMed 34983064 (cited by 3 submitters); PubMed 29970176 (cited by Athena Diagnostics).